The following is an entry in ClinVar:

NM_001394998.1(TANC2):c.5974A>G (p.Asn1992Asp)

Gene: TANC2 (tetratricopeptide repeat, ankyrin repeat and coiled-coil containing 2; plus strand). Cytogenetic location: 17q23.3.
Variant type: single nucleotide variant.
Coding change: c.5974A>G on transcript NM_001394998.1 (MANE Select); coding-DNA position 5974, A replaced by G.
Protein change: p.Asn1992Asp; replaces asparagine 1992 with aspartic acid.
Molecular consequence: missense variant.
Genome position (GRCh38, 1-based): chr17:63,421,704, A>G. VCF-style: chr17-63421704-A-G. GRCh37 (hg19) VCF-style: chr17-61499065-A-G.
Other names: c.5752A>G, p.Asn1918Asp (NM_001411076.1); c.5722A>G, p.Asn1908Asp (NM_025185.4); short protein forms N1908D, N1918D, N1992D.
Identifiers: ClinVar variation 4532721 (VCV004532721.1).
Genomic context (GRCh38, chr17:63,421,704, plus strand): 5'-CCTGAGTCCTTCAGTCCACCATCATCCATCAGCAACATTGCCTTTTATAACAAAACCAAC[A>G]ATGCACAGAATGGCCATTTGCTGGAGGACGATTATTACAGCCCCCATGGGATGCTGGCTA-3'
Protein context (NP_001381927.1, residues 1982-2002): SNIAFYNKTN[Asn1992Asp]AQNGHLLEDD

ClinVar aggregate classification (germline): Uncertain significance (1 of 4 stars; one submission).

gnomAD v4.1: 1 of 1,613,998 alleles (0.000062%); highest among the groups gnomAD compares: Non-Finnish European, 0.000085%; no homozygotes.

Submission:

GeneDx
Classification: Uncertain significance. Last evaluated: 2025-05-28. Review status: criteria provided, single submitter. Criteria: GeneDx Variant Classification Process June 2021. Collection method: clinical testing. Allele origin: germline. Affected: yes.
Comment: Not observed at significant frequency in large population cohorts (gnomAD); In silico analysis suggests that this missense variant does not alter protein structure/function; Has not been previously published as pathogenic or benign to our knowledge